The following is an entry in ClinVar:

NM_017757.3(ZNF407):c.3903C>T (p.Pro1301=)

Gene: ZNF407 (zinc finger protein 407; plus strand). Cytogenetic location: 18q22.3.
Variant type: single nucleotide variant.
Coding change: c.3903C>T on transcript NM_017757.3 (MANE Select); coding-DNA position 3903, C replaced by T.
Protein change: p.Pro1301=; no amino-acid change (proline 1301 retained).
Molecular consequence: synonymous variant.
Genome position (GRCh38, 1-based): chr18:74,634,922, C>T. VCF-style: chr18-74634922-C-T. GRCh37 (hg19) VCF-style: chr18-72346878-C-T.
Other names: c.3903C>T, p.Pro1301= (NM_001146189.1, NM_001146190.1, NM_001384475.1).
Identifiers: ClinVar variation 3033793 (VCV003033793.2), dbSNP rs559840391, ClinGen allele CA9000780.

ClinVar aggregate classification (germline): Likely benign (0 of 4 stars; one submission).

Conditions:
ZNF407-related disorder. Also called: ZNF407-related condition.

Allele frequency attached by ClinVar (database versions not stated): ExAC 0.00006; 1000 Genomes Project 0.00020; 1000 Genomes Project 30x 0.00031; gnomAD 0.00003; TOPMed 0.00003; gnomAD exomes 0.00005.
gnomAD v4.1: 71 of 1,613,798 alleles (0.0044%); highest among the groups gnomAD compares: Middle Eastern, 0.017%; no homozygotes.

Submission:

PreventionGenetics, part of Exact Sciences
Classification: Likely benign for ZNF407-related condition. Last evaluated: 2019-06-07. Review status: no assertion criteria provided. Collection method: clinical testing. Allele origin: germline.
Comment: This variant is classified as likely benign based on ACMG/AMP sequence variant interpretation guidelines (Richards et al. 2015 PMID: 25741868, with internal and published modifications).